The following is an entry in ClinVar:

ClinVar aggregate classification (germline): Uncertain significance. Review status: criteria provided, multiple submitters, no conflicts (2 of 4 stars). 2 submissions from 2 submitters: Uncertain significance (2). Last evaluated 2025-04-18.

Conditions:
Dyskeratosis congenita, autosomal dominant 2. Identifiers: MedGen C3151443, MONDO:0013521, OMIM 613989.
Idiopathic Pulmonary Fibrosis. Also called: Idiopathic fibrosing alveolitis, chronic form; idiopathic fibrosing alveolitis. Identifiers: Orphanet 2032, MedGen C1800706, MeSH D054990, MONDO:0800504.
Dyskeratosis congenita. Identifiers: Orphanet 1775, MedGen C0265965, MONDO:0015780.

Submissions (2):

Ambry Genetics
Classification: Uncertain significance for Dyskeratosis congenita. Last evaluated: 2025-04-18. Review status: criteria provided, single submitter. Criteria: Ambry Variant Classification Scheme 2023. Collection method: clinical testing. Allele origin: germline.
Comment: The p.N899T variant (also known as c.2696A>C), located in coding exon 11 of the TERT gene, results from an A to C substitution at nucleotide position 2696. The asparagine at codon 899 is replaced by threonine, an amino acid with similar properties. This amino acid position is conserved. In addition, this alteration is predicted to be deleterious by in silico analysis. Based on the available evidence, the clinical significance of this variant remains unclear.

Labcorp Genetics (formerly Invitae), Labcorp
Classification: Uncertain significance for Dyskeratosis congenita, autosomal dominant 2; Idiopathic Pulmonary Fibrosis. Last evaluated: 2020-12-11. Review status: criteria provided, single submitter. Criteria: Invitae Variant Classification Sherloc (09022015). Collection method: clinical testing. Allele origin: germline.
Comment: Advanced modeling of protein sequence and biophysical properties (such as structural, functional, and spatial information, amino acid conservation, physicochemical variation, residue mobility, and thermodynamic stability) performed at Invitae indicates that this missense variant is expected to disrupt TERT protein function. In summary, the available evidence is currently insufficient to determine the role of this variant in disease. Therefore, it has been classified as a Variant of Uncertain Significance. This variant has not been reported in the literature in individuals with TERT-related conditions. This variant is not present in population databases (ExAC no frequency). This sequence change replaces asparagine with threonine at codon 899 of the TERT protein (p.Asn899Thr). The asparagine residue is highly conserved and there is a small physicochemical difference between asparagine and threonine.

NM_198253.3(TERT):c.2696A>C (p.Asn899Thr)

Gene: TERT (telomerase reverse transcriptase; minus strand). Cytogenetic location: 5p15.33.
Variant type: single nucleotide variant.
Coding change: c.2696A>C on transcript NM_198253.3 (MANE Select); coding-DNA position 2696, A replaced by C.
Protein change: p.Asn899Thr; replaces asparagine 899 with threonine.
Molecular consequence: missense variant. On other transcripts: intron variant (1).
Genome position (GRCh38, 1-based): chr5:1,264,551, T>G on the plus strand (A>C on the coding strand, the complement: TERT is on the minus strand). VCF-style: chr5-1264551-T-G. GRCh37 (hg19) VCF-style: chr5-1264666-T-G.
Other names: c.2654+1913A>C (NM_001193376.3); c.2696A>C (NM_198253.2); short protein forms N899T.
Identifiers: ClinVar variation 1507479 (VCV001507479.9), dbSNP rs1748462245, ClinGen allele CA359072219.